The following is an entry in ClinVar:

NM_003355.3(UCP2):c.59C>T (p.Ala20Val)

Gene: UCP2 (uncoupling protein 2; minus strand). Cytogenetic location: 11q13.4.
Variant type: single nucleotide variant.
Coding change: c.59C>T on transcript NM_003355.3 (MANE Select); coding-DNA position 59, C replaced by T.
Protein change: p.Ala20Val; replaces alanine 20 with valine.
Molecular consequence: missense variant.
Genome position (GRCh38, 1-based): chr11:73,978,320, G>A on the plus strand (C>T on the coding strand, the complement: UCP2 is on the minus strand). VCF-style: chr11-73978320-G-A. GRCh37 (hg19) VCF-style: chr11-73689365-G-A.
Other names: c.59C>T, p.Ala20Val (NM_001381943.1, NM_001381944.1, NM_001381945.1 and 4 more transcripts); short protein forms A20V.
Identifiers: ClinVar variation 1338193 (VCV001338193.6), dbSNP rs774480323, ClinGen allele CA6181272.
Genomic context (GRCh38, chr11:73,978,320, plus strand): 5'-CGGACTTTAGCAGTATCCAGAGGAAAGGTGATGAGATCTGCGATGCAGGCAGCTGTGCCA[G>A]CCCCAAGAAACTTCACAGTGGCAGTAGGGGGCACATCTGTGGCCTTGAACCCAACCATGA-3'
Protein context (NP_003346.2, residues 10-30): PPTATVKFLG[Ala20Val]GTAACIADLI

ClinVar aggregate classification (germline): Uncertain significance. Review status: criteria provided, multiple submitters, no conflicts (2 of 4 stars). 2 submissions from 2 submitters: Uncertain significance (2). Last evaluated 2023-07-25.

Allele frequency attached by ClinVar (database versions not stated): gnomAD 0.00001; gnomAD exomes 0.00001 and 0.00002; ExAC 0.00002.
gnomAD v4.1: 34 of 1,614,088 alleles (0.0021%); highest among the groups gnomAD compares: Admixed American, 0.0033%; no homozygotes.

Submissions (2):

Ambry Genetics
Classification: Uncertain significance. Last evaluated: 2023-07-25. Review status: criteria provided, single submitter. Criteria: Ambry Variant Classification Scheme 2023. Collection method: clinical testing. Allele origin: germline.

Genetic Services Laboratory, University of Chicago
Classification: Uncertain significance. Last evaluated: 2021-12-02. Review status: criteria provided, single submitter. Criteria: ACMG Guidelines, 2015. Collection method: clinical testing. Allele origin: germline. Affected: no.
Comment: DNA sequence analysis of the UCP2 gene demonstrated a sequence change, c.59C>T, in exon 3 that results in an amino acid change, p.Ala20Val. This sequence change has been described in the gnomAD database in three individuals which corresponds to a population frequency of 0.0012 % (dbSNP rs774480323). The p.Ala20Val change affects a highly conserved amino acid residue located in a domain of the UCP2 protein that is known to be functional. The p.Ala20Val substitution appears to be deleterious using several in-silico pathogenicity prediction tools (SIFT, PolyPhen2, Align GVGD, REVEL). This sequence change does not appear to have been previously described in individuals with UCP2-related disorders. Due to insufficient evidences and the lack of functional studies, the clinical significance of the p.Ala20Val change remains unknown at this time.